The following is an entry in ClinVar:

NM_001365951.3(KIF1B):c.4883C>G (p.Thr1628Ser)

Gene: KIF1B (kinesin family member 1B; plus strand). Cytogenetic location: 1p36.22.
Variant type: single nucleotide variant.
Coding change: c.4883C>G on transcript NM_001365951.3 (MANE Select); coding-DNA position 4883, C replaced by G.
Protein change: p.Thr1628Ser; replaces threonine 1628 with serine.
Molecular consequence: missense variant.
Genome position (GRCh38, 1-based): chr1:10,371,199, C>G. VCF-style: chr1-10371199-C-G. GRCh37 (hg19) VCF-style: chr1-10431257-C-G.
Other names: c.4883C>G, p.Thr1628Ser (NM_001365952.1); c.4745C>G, p.Thr1582Ser (NM_015074.3); short protein forms T1582S, T1628S.
Identifiers: ClinVar variation 3226517 (VCV003226517.1), dbSNP rs2521952025, ClinGen allele CA338327550.
Genomic context (GRCh38, chr1:10,371,199, plus strand): 5'-AGTTGTCTGATATCTCTCCAATTGGACGGGATCCCTCTGAGTCCAGTTTCAGCAGTGCCA[C>G]CCTCACTCCCTCCTCCACCTGTCCCTCTCTGGTAGACTCTAGGAGCAACTCTCTGGATCA-3'
Protein context (NP_001352880.1, residues 1618-1638): DPSESSFSSA[Thr1628Ser]LTPSSTCPSL

ClinVar aggregate classification (germline): Uncertain significance (1 of 4 stars; one submission).

Submission:

Ambry Genetics
Classification: Uncertain significance. Last evaluated: 2023-11-17. Review status: criteria provided, single submitter. Criteria: Ambry Variant Classification Scheme 2023. Collection method: clinical testing. Allele origin: germline.
Comment: The p.T1582S variant (also known as c.4745C>G), located in coding exon 42 of the KIF1B gene, results from a C to G substitution at nucleotide position 4745. The threonine at codon 1582 is replaced by serine, an amino acid with similar properties. This amino acid position is conserved. In addition, this alteration is predicted to be tolerated by in silico analysis. Since supporting evidence is limited at this time, the clinical significance of this alteration remains unclear.